The following is an entry in ClinVar:

NM_001128228.3(TPRN):c.1279T>G (p.Ser427Ala)

Gene: TPRN (taperin; minus strand). Cytogenetic location: 9q34.3.
Variant type: single nucleotide variant.
Coding change: c.1279T>G on transcript NM_001128228.3 (MANE Select); coding-DNA position 1279, T replaced by G.
Protein change: p.Ser427Ala; replaces serine 427 with alanine.
Molecular consequence: missense variant.
Genome position (GRCh38, 1-based): chr9:137,199,433, A>C on the plus strand (T>G on the coding strand, the complement: TPRN is on the minus strand). VCF-style: chr9-137199433-A-C. GRCh37 (hg19) VCF-style: chr9-140093885-A-C.
Other names: short protein forms S427A.
Identifiers: ClinVar variation 1327345 (VCV001327345.2), dbSNP rs748766403, ClinGen allele CA5362776.

ClinVar aggregate classification (germline): Uncertain significance (1 of 4 stars; one submission).

Allele frequency attached by ClinVar (database versions not stated): ExAC 0.00001; gnomAD exomes 0.00001 and 0.00002; TOPMed 0.00002; gnomAD 0.00003.

Submission:

GeneDx
Classification: Uncertain significance. Last evaluated: 2021-11-29. Review status: criteria provided, single submitter. Criteria: GeneDx Variant Classification Process June 2021. Collection method: clinical testing. Allele origin: germline. Affected: yes.
Comment: Not observed at a significant frequency in large population cohorts (Lek et al., 2016); In silico analysis, which includes protein predictors and evolutionary conservation, supports that this variant does not alter protein structure/function; Has not been previously published as pathogenic or benign to our knowledge